The following is an entry in ClinVar:

ClinVar aggregate classification (germline): Likely benign (1 of 4 stars; one submission).

Submission:

GeneDx
Classification: Likely benign. Last evaluated: 2020-06-01. Review status: criteria provided, single submitter. Criteria: GeneDx Variant Classification Process June 2021. Collection method: clinical testing. Allele origin: germline. Affected: yes.
Comment: This variant is associated with the following publications: (PMID: 18632414, 25445213)

NM_004415.4(DSP):c.8472G>A (p.Gly2824=)

Gene: DSP (desmoplakin; plus strand). Cytogenetic location: 6p24.3.
Variant type: single nucleotide variant.
Coding change: c.8472G>A on transcript NM_004415.4 (MANE Select); coding-DNA position 8472, G replaced by A.
Protein change: p.Gly2824=; no amino-acid change (glycine 2824 retained).
Molecular consequence: synonymous variant.
Genome position (GRCh38, 1-based): chr6:7,585,734, G>A. VCF-style: chr6-7585734-G-A. GRCh37 (hg19) VCF-style: chr6-7585967-G-A.
Other names: c.6675G>A, p.Gly2225= (NM_001008844.3); c.7143G>A, p.Gly2381= (NM_001319034.2).
Identifiers: ClinVar variation 1186858 (VCV001186858.2), dbSNP rs2744380, ClinGen allele CA448717225.